The following is an entry in ClinVar:

NM_182943.3(PLOD2):c.1165T>C (p.Phe389Leu)

Gene: PLOD2 (procollagen-lysine,2-oxoglutarate 5-dioxygenase 2; minus strand). Cytogenetic location: 3q24.
Variant type: single nucleotide variant.
Coding change: c.1165T>C on transcript NM_182943.3 (MANE Select); coding-DNA position 1165, T replaced by C.
Protein change: p.Phe389Leu; replaces phenylalanine 389 with leucine.
Molecular consequence: missense variant.
Genome position (GRCh38, 1-based): chr3:146,085,236, A>G on the plus strand (T>C on the coding strand, the complement: PLOD2 is on the minus strand). VCF-style: chr3-146085236-A-G. GRCh37 (hg19) VCF-style: chr3-145803023-A-G.
Other names: c.1165T>C, p.Phe389Leu (NM_000935.3); short protein forms F389L.
Identifiers: ClinVar variation 1395948 (VCV001395948.6), dbSNP rs1034575012, ClinGen allele CA84516977.

ClinVar aggregate classification (germline): Uncertain significance (1 of 4 stars; one submission).

Allele frequency attached by ClinVar (database versions not stated): gnomAD exomes below 0.00001; gnomAD 0.00001.
gnomAD v4.1: 2 of 1,607,812 alleles (0.00012%); highest among the groups gnomAD compares: Admixed American, 0.0017%; no homozygotes.

Submission:

Labcorp Genetics (formerly Invitae), Labcorp
Classification: Uncertain significance. Last evaluated: 2022-11-08. Review status: criteria provided, single submitter. Criteria: Invitae Variant Classification Sherloc (09022015). Collection method: clinical testing. Allele origin: germline.
Comment: In summary, the available evidence is currently insufficient to determine the role of this variant in disease. Therefore, it has been classified as a Variant of Uncertain Significance. Advanced modeling of protein sequence and biophysical properties (such as structural, functional, and spatial information, amino acid conservation, physicochemical variation, residue mobility, and thermodynamic stability) performed at Invitae indicates that this missense variant is not expected to disrupt PLOD2 protein function. ClinVar contains an entry for this variant (Variation ID: 1395948). This variant has not been reported in the literature in individuals affected with PLOD2-related conditions. This variant is not present in population databases (gnomAD no frequency). This sequence change replaces phenylalanine, which is neutral and non-polar, with leucine, which is neutral and non-polar, at codon 389 of the PLOD2 protein (p.Phe389Leu).